The following is an entry in ClinVar:

NM_206933.4(USH2A):c.12728G>A (p.Trp4243Ter)

Gene: USH2A (usherin; minus strand). Cytogenetic location: 1q41.
Variant type: single nucleotide variant.
Coding change: c.12728G>A on transcript NM_206933.4 (MANE Select); coding-DNA position 12728, G replaced by A.
Protein change: p.Trp4243Ter; replaces tryptophan 4243 with a stop codon.
Molecular consequence: nonsense.
Genome position (GRCh38, 1-based): chr1:215,675,183, C>T on the plus strand (G>A on the coding strand, the complement: USH2A is on the minus strand). VCF-style: chr1-215675183-C-T. GRCh37 (hg19) VCF-style: chr1-215848525-C-T.
Other names: short protein forms W4243*.
Identifiers: ClinVar variation 1431764 (VCV001431764.7), dbSNP rs2102666433, ClinGen allele CA344849527.

ClinVar aggregate classification (germline): Pathogenic. Review status: criteria provided, multiple submitters, no conflicts (2 of 4 stars). 2 submissions from 2 submitters: Pathogenic (2). Last evaluated 2022-08-22.

Conditions:
USH2A-related disorder. Also called: USH2A-related disorders; USH2A-related condition. Identifiers: MedGen CN239332.

Submissions (2):

Labcorp Genetics (formerly Invitae), Labcorp
Classification: Pathogenic. Last evaluated: 2022-08-22. Review status: criteria provided, single submitter. Criteria: Invitae Variant Classification Sherloc (09022015). Collection method: clinical testing. Allele origin: germline.
Comment: For these reasons, this variant has been classified as Pathogenic. Algorithms developed to predict the effect of sequence changes on RNA splicing suggest that this variant may create or strengthen a splice site. ClinVar contains an entry for this variant (Variation ID: 1431764). This premature translational stop signal has been observed in individual(s) with retinitis pigmentosa and/or Usher syndrome (PMID: 22334370, 26927203). This variant is not present in population databases (gnomAD no frequency). This sequence change creates a premature translational stop signal (p.Trp4243*) in the USH2A gene. It is expected to result in an absent or disrupted protein product. Loss-of-function variants in USH2A are known to be pathogenic (PMID: 10729113, 10909849, 20507924, 25649381).

Blueprint Genetics
Classification: Pathogenic for USH2A-related disorders. Last evaluated: 2022-01-17. Review status: criteria provided, single submitter. Criteria: ACMG Guidelines, 2015. Collection method: clinical testing. Allele origin: germline. Affected: yes. Observed: 1 variant allele.

Literature cited by the submitters: PubMed 22334370 (cited by Labcorp Genetics (formerly Invitae), Labcorp); PubMed 26927203 (cited by Labcorp Genetics (formerly Invitae), Labcorp); PubMed 10729113 (cited by Labcorp Genetics (formerly Invitae), Labcorp); PubMed 10909849 (cited by Labcorp Genetics (formerly Invitae), Labcorp); PubMed 20507924 (cited by Labcorp Genetics (formerly Invitae), Labcorp); PubMed 25649381 (cited by Labcorp Genetics (formerly Invitae), Labcorp).